The following is an entry in ClinVar:

NM_001009925.2(TMEM230):c.-31C>T

Gene: TMEM230 (transmembrane protein 230; minus strand). Cytogenetic location: 20p12.3.
Variant type: single nucleotide variant.
Coding change: c.-31C>T on transcript NM_001009925.2 (MANE Select); 31 bases upstream of the start codon, C replaced by T.
Molecular consequence: 5 prime UTR variant.
Genome position (GRCh38, 1-based): chr20:5,112,976, G>A on the plus strand (C>T on the coding strand, the complement: TMEM230 is on the minus strand). VCF-style: chr20-5112976-G-A. GRCh37 (hg19) VCF-style: chr20-5093622-G-A.
Other names: c.-355C>T (NM_001009924.2); c.-307C>T (NM_001330984.2); c.-272C>T (NM_001330985.2); c.-249C>T (NM_001330986.2); c.-31C>T (NM_001330987.2); c.-137C>T (NM_001423980.1); c.-262C>T (NM_014145.5).
Identifiers: ClinVar variation 3613894 (VCV003613894.2).

ClinVar aggregate classification (germline): Uncertain significance (1 of 4 stars; one submission).

gnomAD v4.1: 39 of 1,550,450 alleles (0.0025%); highest among the groups gnomAD compares: Non-Finnish European, 0.0032%; no homozygotes.

Submission:

Labcorp Genetics (formerly Invitae), Labcorp
Classification: Uncertain significance. Last evaluated: 2024-10-01. Review status: criteria provided, single submitter. Criteria: Invitae Variant Classification Sherloc (09022015). Collection method: clinical testing. Allele origin: germline.
Comment: This sequence change replaces proline, which is neutral and non-polar, with leucine, which is neutral and non-polar, at codon 18 of the TMEM230 protein (p.Pro18Leu). The frequency data for this variant in the population databases is considered unreliable, as metrics indicate poor data quality at this position in the gnomAD database. This variant has not been reported in the literature in individuals affected with TMEM230-related conditions. An algorithm developed to predict the effect of missense changes on protein structure and function outputs the following: PolyPhen-2: "Possibly Damaging". The leucine amino acid residue is found in multiple mammalian species, which suggests that this missense change does not adversely affect protein function. In summary, the available evidence is currently insufficient to determine the role of this variant in disease. Therefore, it has been classified as a Variant of Uncertain Significance.